The following is an entry in ClinVar:

ClinVar aggregate classification (germline): Uncertain significance (1 of 4 stars; one submission).

Allele frequency attached by ClinVar (database versions not stated): gnomAD exomes below 0.00001 and 0.00001; TOPMed 0.00001.
gnomAD v4.1: 3 of 1,607,592 alleles (0.00019%); highest among the groups gnomAD compares: Non-Finnish European, 0.00026%; no homozygotes.

Submission:

Labcorp Genetics (formerly Invitae), Labcorp
Classification: Uncertain significance. Last evaluated: 2023-08-17. Review status: criteria provided, single submitter. Criteria: Invitae Variant Classification Sherloc (09022015). Collection method: clinical testing. Allele origin: germline.
Comment: In summary, the available evidence is currently insufficient to determine the role of this variant in disease. Therefore, it has been classified as a Variant of Uncertain Significance. An algorithm developed to predict the effect of missense changes on protein structure and function (PolyPhen-2) suggests that this variant is likely to be disruptive. ClinVar contains an entry for this variant (Variation ID: 1045532). This variant has not been reported in the literature in individuals affected with ADGRV1-related conditions. This variant is present in population databases (no rsID available, gnomAD 0.002%). This sequence change replaces glycine, which is neutral and non-polar, with serine, which is neutral and polar, at codon 6286 of the ADGRV1 protein (p.Gly6286Ser).

NM_032119.4(ADGRV1):c.18856G>A (p.Gly6286Ser)

Gene: ADGRV1 (adhesion G protein-coupled receptor V1; plus strand). Cytogenetic location: 5q14.3.
Variant type: single nucleotide variant.
Coding change: c.18856G>A on transcript NM_032119.4 (MANE Select); coding-DNA position 18856, G replaced by A.
Protein change: p.Gly6286Ser; replaces glycine 6286 with serine.
Molecular consequence: missense variant. On other transcripts: non-coding transcript variant (1).
Genome position (GRCh38, 1-based): chr5:91,163,835, G>A. VCF-style: chr5-91163835-G-A. GRCh37 (hg19) VCF-style: chr5-90459652-G-A.
Other names: short protein forms G6286S.
Identifiers: ClinVar variation 1045532 (VCV001045532.8), dbSNP rs1256850968, ClinGen allele CA360432948.